The following is an entry in ClinVar:

NM_000108.5(DLD):c.1374+10G>A

Genes: DLD (dihydrolipoamide dehydrogenase; plus strand), LOC129999127 (ATAC-STARR-seq lymphoblastoid active region 26499; plus strand). Cytogenetic location: 7q31.1.
Variant type: single nucleotide variant.
Coding change: c.1374+10G>A on transcript NM_000108.5 (MANE Select); 10 bases into the intron after coding-DNA position 1374, G replaced by A.
Molecular consequence: intron variant.
Genome position (GRCh38, 1-based): chr7:107,918,071, G>A. VCF-style: chr7-107918071-G-A. GRCh37 (hg19) VCF-style: chr7-107558516-G-A.
Other names: c.1374+10G>A (NM_000108.4); c.1230+10G>A (NM_001289752.1); c.1305+10G>A (NM_001289751.1); c.1077+10G>A (NM_001289750.1).
Identifiers: ClinVar variation 1108088 (VCV001108088.12), dbSNP rs2116274678, ClinGen allele CA2499218656.

ClinVar aggregate classification (germline): Likely benign. Review status: criteria provided, multiple submitters, no conflicts (2 of 4 stars). 2 submissions from 2 submitters: Likely benign (2). Last evaluated 2025-01-26.

Conditions:
DLD-related disorder. Also called: DLD-related disorders; DLD-related condition.
Pyruvate dehydrogenase E3 deficiency (DLDD). Also called: MAPLE SYRUP URINE DISEASE, TYPE III; Dihydrolipoamide Dehydrogenase (E3) Deficiency; DLD DEFICIENCY; E3 DEFICIENCY; Dihydrolipoamide Dehydrogenase E3 Deficiency; Lipoamide dehydrogenase deficiency, lactic acidosis due to. Identifiers: Orphanet 2394, Orphanet 765, MedGen C5574660, MONDO:0009529, OMIM 246900.

Allele frequency attached by ClinVar (database versions not stated): gnomAD exomes below 0.00001.
gnomAD v4.1: 5 of 1,613,796 alleles (0.00031%); highest among the groups gnomAD compares: Middle Eastern, 0.033%; no homozygotes.

Submissions (2):

PreventionGenetics, part of Exact Sciences
Classification: Likely benign for DLD-related condition. Last evaluated: 2025-01-26. Review status: criteria provided, single submitter. Criteria: ACMG Guidelines, 2015. Collection method: clinical testing. Allele origin: germline.
Comment: This variant is classified as likely benign based on ACMG/AMP sequence variant interpretation guidelines (Richards et al. 2015 PMID: 25741868, with internal and published modifications).

Labcorp Genetics (formerly Invitae), Labcorp
Classification: Likely benign for Pyruvate dehydrogenase E3 deficiency. Last evaluated: 2022-08-21. Review status: criteria provided, single submitter. Criteria: Invitae Variant Classification Sherloc (09022015). Collection method: clinical testing. Allele origin: germline.